The following is an entry in ClinVar:

ClinVar aggregate classification (germline): Uncertain significance (1 of 4 stars; one submission).

Conditions:
Inborn genetic diseases. Identifiers: MedGen C0950123, MeSH D030342.

gnomAD v4.1: 3 of 1,613,152 alleles (0.00019%); highest among the groups gnomAD compares: Non-Finnish European, 0.00017%; no homozygotes.

Submission:

Ambry Genetics
Classification: Uncertain significance for Inborn genetic diseases. Last evaluated: 2026-04-26. Review status: criteria provided, single submitter. Criteria: Ambry Variant Classification Scheme 2023. Collection method: clinical testing. Allele origin: germline.
Comment: The p.T951A variant (also known as c.2851A>G), located in coding exon 1 of the SAMD9L gene, results from an A to G substitution at nucleotide position 2851. The threonine at codon 951 is replaced by alanine, an amino acid with similar properties. This amino acid position is conserved. In addition, this alteration is predicted to be tolerated by in silico analysis. Based on the available evidence, the clinical significance of this variant remains unclear.

NM_152703.5(SAMD9L):c.2851A>G (p.Thr951Ala)

Gene: SAMD9L (sterile alpha motif domain containing 9 like; minus strand). Cytogenetic location: 7q21.2.
Variant type: single nucleotide variant.
Coding change: c.2851A>G on transcript NM_152703.5 (MANE Select); coding-DNA position 2851, A replaced by G.
Protein change: p.Thr951Ala; replaces threonine 951 with alanine.
Molecular consequence: missense variant.
Genome position (GRCh38, 1-based): chr7:93,133,121, T>C on the plus strand (A>G on the coding strand, the complement: SAMD9L is on the minus strand). VCF-style: chr7-93133121-T-C. GRCh37 (hg19) VCF-style: chr7-92762434-T-C.
Other names: c.2851A>G, p.Thr951Ala (NM_001303496.3, NM_001303497.3, NM_001303498.3 and 5 more transcripts); short protein forms T951A.
Identifiers: ClinVar variation 4863967 (VCV004863967.1).
Genomic context (GRCh38, chr7:93,133,121, plus strand): 5'-GAAGTGTAGAATAAGTTCCCATCTTGTCTTCTAAGCTTTCAGGTTCCCAGGGTGTACTAG[T>C]GTATATGATTCCCAAAAATATTTCACACTGTGAAACTGAAATTGTAGAGTCAGTAACATA-3'
Protein context (NP_689916.2, residues 941-961): QCEIFLGIIY[Thr951Ala]STPWEPESLE